The following is an entry in ClinVar:

NM_001387690.1(KATNAL2):c.714C>T (p.Ala238=)

Gene: KATNAL2 (katanin catalytic subunit A1 like 2; plus strand). Cytogenetic location: 18q21.1.
Variant type: single nucleotide variant.
Coding change: c.714C>T on transcript NM_001387690.1 (MANE Select); coding-DNA position 714, C replaced by T.
Protein change: p.Ala238=; no amino-acid change (alanine 238 retained).
Molecular consequence: synonymous variant. On other transcripts: non-coding transcript variant (1).
Genome position (GRCh38, 1-based): chr18:47,063,349, C>T. VCF-style: chr18-47063349-C-T. GRCh37 (hg19) VCF-style: chr18-44589720-C-T.
Other names: c.792C>T, p.Ala264= (NM_001353899.1, NM_001353902.1); c.789C>T, p.Ala263= (NM_001353900.1); c.714C>T, p.Ala238= (NM_001353901.1, NM_001367621.1); c.381C>T, p.Ala127= (NM_001353903.1, NM_001353904.1, NM_001353905.1 and 4 more transcripts); c.498C>T, p.Ala166= (NM_031303.3).
Identifiers: ClinVar variation 3047664 (VCV003047664.2), dbSNP rs901932208, ClinGen allele CA299858872.

ClinVar aggregate classification (germline): Likely benign (0 of 4 stars; one submission).

Conditions:
KATNAL2-related disorder. Also called: KATNAL2-related condition.

Allele frequency attached by ClinVar (database versions not stated): gnomAD exomes 0.00001; gnomAD 0.00003; TOPMed 0.00003.
gnomAD v4.1: 19 of 1,613,610 alleles (0.0012%); highest among the groups gnomAD compares: Admixed American, 0.0033%; no homozygotes.

Submission:

PreventionGenetics, part of Exact Sciences
Classification: Likely benign for KATNAL2-related condition. Last evaluated: 2024-01-25. Review status: no assertion criteria provided. Collection method: clinical testing. Allele origin: germline.
Comment: This variant is classified as likely benign based on ACMG/AMP sequence variant interpretation guidelines (Richards et al. 2015 PMID: 25741868, with internal and published modifications).